The following is an entry in ClinVar:

NM_006245.4(PPP2R5D):c.1084A>G (p.Ile362Val)

Gene: PPP2R5D (protein phosphatase 2 regulatory subunit B'delta; plus strand). Cytogenetic location: 6p21.1.
Variant type: single nucleotide variant.
Coding change: c.1084A>G on transcript NM_006245.4 (MANE Select); coding-DNA position 1084, A replaced by G.
Protein change: p.Ile362Val; replaces isoleucine 362 with valine.
Molecular consequence: missense variant.
Genome position (GRCh38, 1-based): chr6:43,009,060, A>G. VCF-style: chr6-43009060-A-G. GRCh37 (hg19) VCF-style: chr6-42976798-A-G.
Other names: c.631A>G, p.Ile211Val (NM_001270476.2); c.988A>G, p.Ile330Val (NM_180976.3); c.766A>G, p.Ile256Val (NM_180977.3); short protein forms I211V, I256V, I330V, I362V.
Identifiers: ClinVar variation 3368893 (VCV003368893.1).
Genomic context (GRCh38, chr6:43,009,060, plus strand): 5'-CTGGTGACCTAGGCAGGTGCAAAGAATTTTCATCCCCATGCCCTCCTTGTCTCCCAGGTA[A>G]TTGTGGGACTTCTCAAGTTTTGGCCCAAGACCCACAGCCCCAAGGAGGTGATGTTCTTGA-3'
Protein context (NP_006236.1, residues 352-372): EKESSLTEPV[Ile362Val]VGLLKFWPKT

ClinVar aggregate classification (germline): Uncertain significance (1 of 4 stars; one submission).

Submission:

GeneDx
Classification: Uncertain significance. Last evaluated: 2024-02-10. Review status: criteria provided, single submitter. Criteria: GeneDx Variant Classification Process June 2021. Collection method: clinical testing. Allele origin: germline. Affected: yes.
Comment: Not observed at significant frequency in large population cohorts (gnomAD); In silico analysis supports a deleterious effect on splicing; In silico analysis supports that this missense variant does not alter protein structure/function; Has not been previously published as pathogenic or benign to our knowledge